The following is an entry in ClinVar:

NM_000179.3(MSH6):c.3231A>G (p.Pro1077=)

Gene: MSH6 (mutS homolog 6; plus strand). Cytogenetic location: 2p16.3.
Variant type: single nucleotide variant.
Coding change: c.3231A>G on transcript NM_000179.3 (MANE Select); coding-DNA position 3231, A replaced by G.
Protein change: p.Pro1077=; no amino-acid change (proline 1077 retained).
Molecular consequence: synonymous variant.
Genome position (GRCh38, 1-based): chr2:47,803,478, A>G. VCF-style: chr2-47803478-A-G. GRCh37 (hg19) VCF-style: chr2-48030617-A-G.
Other names: c.2841A>G, p.Pro947= (NM_001281492.2); c.2325A>G, p.Pro775= (NM_001281493.2, NM_001281494.2).
Identifiers: ClinVar variation 479865 (VCV000479865.16), dbSNP rs1553331315, ClinGen allele CA426121814.

ClinVar aggregate classification (germline): Benign/Likely benign. Review status: criteria provided, multiple submitters, no conflicts (2 of 4 stars). 6 submissions from 6 submitters: Benign (1); Likely benign (5). Last evaluated 2025-06-01.

Conditions:
Hereditary nonpolyposis colorectal neoplasms. Identifiers: MedGen C0009405, MeSH D003123.
Lynch syndrome. Identifiers: Orphanet 144, MedGen C4552100, MONDO:0005835. Disease mechanism: loss of function.
Lynch syndrome 5 (LYNCH5). Also called: Colorectal cancer, hereditary nonpolyposis, type 5; Hereditary non-polyposis colorectal cancer, type 5. Identifiers: Orphanet 144, MedGen C1833477, MONDO:0013710, OMIM 614350. Disease mechanism: loss of function.
Hereditary cancer-predisposing syndrome. Also called: Hereditary Cancer Syndrome; Neoplastic Syndromes, Hereditary; Tumor predisposition; Hereditary neoplastic syndrome. Identifiers: Orphanet 140162, MedGen C0027672, MeSH D009386, MONDO:0015356.

Allele frequency attached by ClinVar (database versions not stated): gnomAD exomes below 0.00001.
gnomAD v4.1: 2 of 1,614,160 alleles (0.00012%); no homozygotes.

Submissions (6):

Labcorp Genetics (formerly Invitae), Labcorp
Classification: Likely benign for Hereditary nonpolyposis colorectal neoplasms. Last evaluated: 2025-06-01. Review status: criteria provided, single submitter. Criteria: Invitae Variant Classification Sherloc (09022015). Collection method: clinical testing. Allele origin: germline.

Myriad Genetics, Inc.
Classification: Benign for Lynch syndrome 5. Last evaluated: 2025-01-03. Review status: criteria provided, single submitter. Criteria: Myriad Autosomal Dominant, Autosomal Recessive and X-Linked Classification Criteria (2023). Collection method: clinical testing. Allele origin: unknown.
Comment: This variant is considered benign. This variant is a silent/synonymous amino acid change and it is not expected to impact splicing.

All of Us Research Program, National Institutes of Health
Classification: Likely benign for Lynch syndrome. Last evaluated: 2022-10-26. Review status: criteria provided, single submitter. Criteria: ACMG Guidelines, 2015. Collection method: clinical testing. Allele origin: germline. Inheritance: Autosomal dominant inheritance. Observed: 1 variant allele, 1 heterozygote.
Comment: This study involves interpretation of variants in research participants for the purpose of population health screening. Participant phenotype was not available at the time of variant classification. Additional details can be found in publication PMID: 35346344, PMCID: PMC8962531

Color Diagnostics, LLC DBA Color Health
Classification: Likely benign for Hereditary cancer-predisposing syndrome. Last evaluated: 2021-01-19. Review status: criteria provided, single submitter. Criteria: ACMG Guidelines, 2015. Collection method: clinical testing. Allele origin: germline.

Ambry Genetics
Classification: Likely benign for Hereditary cancer-predisposing syndrome. Last evaluated: 2018-03-13. Review status: criteria provided, single submitter. Criteria: Ambry Variant Classification Scheme 2023. Collection method: clinical testing. Allele origin: germline.

GeneDx
Classification: Likely benign. Last evaluated: 2018-02-28. Review status: criteria provided, single submitter. Criteria: GeneDx Variant Classification (06012015). Collection method: clinical testing. Allele origin: germline. Affected: yes.
Comment: This variant is considered likely benign or benign based on one or more of the following criteria: it is a conservative change, it occurs at a poorly conserved position in the protein, it is predicted to be benign by multiple in silico algorithms, and/or has population frequency not consistent with disease.